The following is an entry in ClinVar:

ClinVar aggregate classification (germline): Likely pathogenic (1 of 4 stars; one submission).

gnomAD v4.1: 1 of 1,613,904 alleles (0.000062%); highest among the groups gnomAD compares: Non-Finnish European, 0.000085%; no homozygotes.

Submission:

GeneDx
Classification: Likely pathogenic. Last evaluated: 2026-09-26. Review status: criteria provided, single submitter. Criteria: GeneDx Variant Classification Process June 2021. Collection method: clinical testing. Allele origin: germline.
Comment: Not observed at significant frequency in large population cohorts (gnomAD); In silico analysis supports that this missense variant has a deleterious effect on protein structure/function; Has not been previously published as pathogenic or benign to our knowledge

NM_001197104.2(KMT2A):c.6199C>T (p.Arg2067Cys)

Gene: KMT2A (lysine methyltransferase 2A; plus strand). Cytogenetic location: 11q23.3.
Variant type: single nucleotide variant.
Coding change: c.6199C>T on transcript NM_001197104.2 (MANE Select); coding-DNA position 6199, C replaced by T.
Protein change: p.Arg2067Cys; replaces arginine 2067 with cysteine.
Molecular consequence: missense variant.
Genome position (GRCh38, 1-based): chr11:118,501,027, C>T. VCF-style: chr11-118501027-C-T. GRCh37 (hg19) VCF-style: chr11-118371742-C-T.
Other names: c.6289C>T, p.Arg2097Cys (NM_001412597.1); c.6190C>T, p.Arg2064Cys (NM_005933.4); short protein forms R2064C, R2067C, R2097C.
Identifiers: ClinVar variation 3340863 (VCV003340863.3).